The following is an entry in ClinVar:

NM_013266.4(CTNNA3):c.1128+7G>T

Gene: CTNNA3 (catenin alpha 3; minus strand). Cytogenetic location: 10q21.3.
Variant type: single nucleotide variant.
Coding change: c.1128+7G>T on transcript NM_013266.4 (MANE Select); 7 bases into the intron after coding-DNA position 1128, G replaced by T.
Molecular consequence: intron variant.
Genome position (GRCh38, 1-based): chr10:66,775,437, C>A on the plus strand (G>T on the coding strand, the complement: CTNNA3 is on the minus strand). VCF-style: chr10-66775437-C-A. GRCh37 (hg19) VCF-style: chr10-68535195-C-A.
Other names: c.1128+7G>T (NM_001127384.3).
Identifiers: ClinVar variation 474813 (VCV000474813.8), dbSNP rs200113495, ClinGen allele CA5520065.

ClinVar aggregate classification (germline): Conflicting classifications of pathogenicity. Review status: criteria provided, conflicting classifications (1 of 4 stars). 2 submissions from 2 submitters: Uncertain significance (1); Likely benign (1). Last evaluated 2025-07-09.

Conditions:
Arrhythmogenic right ventricular dysplasia 13. Also called: Arrhythmogenic right ventricular dysplasia, familial, 13; ARRHYTHMOGENIC RIGHT VENTRICULAR CARDIOMYOPATHY 13. Identifiers: MedGen C3810138, MONDO:0000908, OMIM 615616.

Allele frequency attached by ClinVar (database versions not stated): gnomAD 0.00002 and 0.00003; ExAC 0.00003; TOPMed 0.00003; gnomAD exomes 0.00004; 1000 Genomes Project 30x 0.00016.
gnomAD v4.1: 74 of 1,596,224 alleles (0.0046%); highest among the groups gnomAD compares: Admixed American, 0.015%; no homozygotes.

Submissions (2):

Labcorp Genetics (formerly Invitae), Labcorp
Classification: Uncertain significance for Arrhythmogenic right ventricular dysplasia 13. Last evaluated: 2025-07-09. Review status: criteria provided, single submitter. Criteria: Invitae Variant Classification Sherloc (09022015). Collection method: clinical testing. Allele origin: germline.
Comment: This sequence change falls in intron 8 of the CTNNA3 gene. It does not directly change the encoded amino acid sequence of the CTNNA3 protein. This variant is present in population databases (rs200113495, gnomAD 0.01%). This variant has not been reported in the literature in individuals affected with CTNNA3-related conditions. ClinVar contains an entry for this variant (Variation ID: 474813). Algorithms developed to predict the effect of sequence changes on RNA splicing suggest that this variant may disrupt the consensus splice site. In summary, the available evidence is currently insufficient to determine the role of this variant in disease. Therefore, it has been classified as a Variant of Uncertain Significance.

Blueprint Genetics
Classification: Likely benign. Last evaluated: 2024-03-08. Review status: criteria provided, single submitter. Criteria: ACMG Guidelines, 2015. Collection method: clinical testing. Allele origin: germline.